The following is an entry in ClinVar:

ClinVar aggregate classification (germline): Likely benign. Review status: criteria provided, multiple submitters, no conflicts (2 of 4 stars). 4 submissions from 4 submitters: Likely benign (4). Last evaluated 2026-01-05.

Conditions:
TMEM237-related disorder. Also called: TMEM237-related condition.
Joubert syndrome 14 (JBTS14). Identifiers: MedGen C3280766, MONDO:0013745, OMIM 614424.

Allele frequency attached by ClinVar (database versions not stated): gnomAD exomes 0.00007; ExAC 0.00013; 1000 Genomes Project 0.00020; 1000 Genomes Project 30x 0.00031; TOPMed 0.00037; gnomAD 0.00038 and 0.00041; ESP Exome Variant Server 0.00060.
gnomAD v4.1: 87 of 1,599,310 alleles (0.0054%); highest among the groups gnomAD compares: African/African-American, 0.1%; no homozygotes.

Submissions (4):

Labcorp Genetics (formerly Invitae), Labcorp
Classification: Likely benign for Joubert syndrome 14. Last evaluated: 2026-01-05. Review status: criteria provided, single submitter. Criteria: Invitae Variant Classification Sherloc (09022015). Collection method: clinical testing. Allele origin: germline.

PreventionGenetics, part of Exact Sciences
Classification: Likely benign for TMEM237-related condition. Last evaluated: 2025-10-26. Review status: criteria provided, single submitter. Criteria: ACMG Guidelines, 2015. Collection method: clinical testing. Allele origin: germline.
Comment: This variant is classified as likely benign based on ACMG/AMP sequence variant interpretation guidelines (Richards et al. 2015 PMID: 25741868, with internal and published modifications).

Blueprint Genetics
Classification: Likely benign. Last evaluated: 2022-04-28. Review status: criteria provided, single submitter. Criteria: ACMG Guidelines, 2015. Collection method: clinical testing. Allele origin: germline.

GeneDx
Classification: Likely benign. Last evaluated: 2017-12-11. Review status: criteria provided, single submitter. Criteria: GeneDx Variant Classification (06012015). Collection method: clinical testing. Allele origin: germline. Affected: yes.
Comment: This variant is considered likely benign or benign based on one or more of the following criteria: it is a conservative change, it occurs at a poorly conserved position in the protein, it is predicted to be benign by multiple in silico algorithms, and/or has population frequency not consistent with disease.

NM_001044385.3(TMEM237):c.66T>A (p.Pro22=)

Gene: TMEM237 (transmembrane protein 237; minus strand). Cytogenetic location: 2q33.1.
Variant type: single nucleotide variant.
Coding change: c.66T>A on transcript NM_001044385.3 (MANE Select); coding-DNA position 66, T replaced by A.
Protein change: p.Pro22=; no amino-acid change (proline 22 retained).
Molecular consequence: synonymous variant.
Genome position (GRCh38, 1-based): chr2:201,640,901, A>T on the plus strand (T>A on the coding strand, the complement: TMEM237 is on the minus strand). VCF-style: chr2-201640901-A-T. GRCh37 (hg19) VCF-style: chr2-202505624-A-T.
Other names: c.42T>A, p.Pro14= (NM_152388.4).
Identifiers: ClinVar variation 385920 (VCV000385920.14), dbSNP rs370010097, ClinGen allele CA2056620.